The following is an entry in ClinVar:

ClinVar aggregate classification (germline): Conflicting classifications of pathogenicity. Review status: criteria provided, conflicting classifications (1 of 4 stars). 4 submissions from 4 submitters: Uncertain significance (1); Likely benign (3). Last evaluated 2025-11-16.

Conditions:
Hereditary cancer-predisposing syndrome. Also called: Tumor predisposition; Hereditary Cancer Syndrome; Hereditary neoplastic syndrome; Neoplastic Syndromes, Hereditary. Identifiers: Orphanet 140162, MedGen C0027672, MeSH D009386, MONDO:0015356.
Neurofibromatosis, type 2 (SWNV). Also called: SCHWANNOMATOSIS, VESTIBULAR; NF2-Related Schwannomatosis; BILATERAL ACOUSTIC NEUROFIBROMATOSIS. Identifiers: Orphanet 637, MedGen C0027832, MONDO:0007039, OMIM 101000. Disease mechanism: loss of function.

Allele frequency attached by ClinVar (database versions not stated): gnomAD exomes below 0.00001 and 0.00002.
gnomAD v4.1: 27 of 1,614,190 alleles (0.0017%); highest among the groups gnomAD compares: Non-Finnish European, 0.0022%; no homozygotes.

Submissions (4):

Labcorp Genetics (formerly Invitae), Labcorp
Classification: Likely benign for Neurofibromatosis, type 2. Last evaluated: 2025-11-16. Review status: criteria provided, single submitter. Criteria: Invitae Variant Classification Sherloc (09022015). Collection method: clinical testing. Allele origin: germline.

All of Us Research Program, National Institutes of Health
Classification: Likely benign for Neurofibromatosis, type 2. Last evaluated: 2023-12-01. Review status: criteria provided, single submitter. Criteria: ACMG Guidelines, 2015. Collection method: clinical testing. Allele origin: germline. Inheritance: Autosomal dominant inheritance. Observed: 2 variant alleles, 2 heterozygotes.
Comment: This study involves interpretation of variants in research participants for the purpose of population health screening. Participant phenotype was not available at the time of variant classification. Additional details can be found in publication PMID: 35346344, PMCID: PMC8962531

GeneDx
Classification: Uncertain significance. Last evaluated: 2023-06-04. Review status: criteria provided, single submitter. Criteria: GeneDx Variant Classification Process June 2021. Collection method: clinical testing. Allele origin: germline. Affected: yes.
Comment: In silico analysis supports that this variant does not alter splicing; Has not been previously published as pathogenic or benign to our knowledge

Ambry Genetics
Classification: Likely benign for Hereditary cancer-predisposing syndrome. Last evaluated: 2021-01-08. Review status: criteria provided, single submitter. Criteria: Ambry Variant Classification Scheme 2023. Collection method: clinical testing. Allele origin: germline.

NM_000268.4(NF2):c.1494C>T (p.Phe498=)

Gene: NF2 (NF2, moesin-ezrin-radixin like (MERLIN) tumor suppressor; plus strand). Cytogenetic location: 22q12.2.
Variant type: single nucleotide variant.
Coding change: c.1494C>T on transcript NM_000268.4 (MANE Select); coding-DNA position 1494, C replaced by T.
Protein change: p.Phe498=; no amino-acid change (phenylalanine 498 retained).
Molecular consequence: synonymous variant. On other transcripts: non-coding transcript variant (1), intron variant (1).
Genome position (GRCh38, 1-based): chr22:29,678,243, C>T. VCF-style: chr22-29678243-C-T. GRCh37 (hg19) VCF-style: chr22-30074232-C-T.
Other names: c.1494C>T, p.Phe498= (NM_016418.5, NM_181825.3, NM_181832.3); c.1368C>T, p.Phe456= (NM_181828.3); c.1371C>T, p.Phe457= (NM_181829.3); c.1245C>T, p.Phe415= (NM_181830.3, NM_181831.3); c.448-16509C>T (NM_181833.3).
Identifiers: ClinVar variation 417149 (VCV000417149.15), dbSNP rs1060504990, ClinGen allele CA16616588.